The following is an entry in ClinVar:

ClinVar aggregate classification (germline): Benign/Likely benign. Review status: criteria provided, multiple submitters, no conflicts (2 of 4 stars). 3 submissions from 3 submitters: Benign (1); Likely benign (2). Last evaluated 2025-03-10.

Conditions:
Pheochromocytoma/paraganglioma syndrome 5. Also called: Paragangliomas 5; SDHA-Related Hereditary Paraganglioma-Pheochromocytoma Syndrome. Identifiers: Orphanet 29072, MedGen C3279992, MONDO:0013602, OMIM 614165.
Mitochondrial complex II deficiency, nuclear type 1. Also called: SUCCINATE CoQ REDUCTASE DEFICIENCY. Identifiers: Orphanet 3208, MedGen C5700310, MONDO:0100294, OMIM 252011.
Hereditary cancer-predisposing syndrome. Also called: Tumor predisposition; Neoplastic Syndromes, Hereditary; Hereditary Cancer Syndrome; Hereditary neoplastic syndrome. Identifiers: Orphanet 140162, MedGen C0027672, MeSH D009386, MONDO:0015356.

gnomAD v4.1: 1 of 1,614,116 alleles (0.000062%); highest among the groups gnomAD compares: South Asian, 0.0011%; no homozygotes.

Submissions (3):

Myriad Genetics, Inc.
Classification: Benign for Pheochromocytoma/paraganglioma syndrome 5. Last evaluated: 2025-03-10. Review status: criteria provided, single submitter. Criteria: Myriad Autosomal Dominant, Autosomal Recessive and X-Linked Classification Criteria (2023). Collection method: clinical testing. Allele origin: unknown.
Comment: This variant is considered benign. This variant is a silent/synonymous amino acid change and it is not expected to impact splicing.

Labcorp Genetics (formerly Invitae), Labcorp
Classification: Likely benign for Pheochromocytoma/paraganglioma syndrome 5; Mitochondrial complex II deficiency, nuclear type 1. Last evaluated: 2025-02-05. Review status: criteria provided, single submitter. Criteria: Invitae Variant Classification Sherloc (09022015). Collection method: clinical testing. Allele origin: germline.

Ambry Genetics
Classification: Likely benign for Hereditary cancer-predisposing syndrome. Last evaluated: 2022-05-05. Review status: criteria provided, single submitter. Criteria: Ambry Variant Classification Scheme 2023. Collection method: clinical testing. Allele origin: germline.

NM_004168.4(SDHA):c.1200C>T (p.Ile400=)

Gene: SDHA (succinate dehydrogenase complex flavoprotein subunit A; plus strand). Cytogenetic location: 5p15.33.
Variant type: single nucleotide variant.
Coding change: c.1200C>T on transcript NM_004168.4 (MANE Select); coding-DNA position 1200, C replaced by T.
Protein change: p.Ile400=; no amino-acid change (isoleucine 400 retained).
Molecular consequence: synonymous variant.
Genome position (GRCh38, 1-based): chr5:235,279, C>T. VCF-style: chr5-235279-C-T. GRCh37 (hg19) VCF-style: chr5-235394-C-T.
Other names: c.1056C>T, p.Ile352= (NM_001294332.2); c.1200C>T, p.Ile400= (NM_001330758.2).
Identifiers: ClinVar variation 1093593 (VCV001093593.16), dbSNP rs748383004, ClinGen allele CA442692006.